The following is an entry in ClinVar:

NM_003024.3(ITSN1):c.1043-18T>C

Gene: ITSN1 (intersectin 1; plus strand). Cytogenetic location: 21q22.11.
Variant type: single nucleotide variant.
Coding change: c.1043-18T>C on transcript NM_003024.3 (MANE Select); 18 bases into the intron before coding-DNA position 1043, T replaced by C.
Molecular consequence: intron variant.
Genome position (GRCh38, 1-based): chr21:33,772,043, T>C. VCF-style: chr21-33772043-T-C. GRCh37 (hg19) VCF-style: chr21-35144347-T-C.
Other names: c.1043-18T>C (NM_001331010.2, NM_001001132.2, NM_001331008.2 and 2 more transcripts); c.932-18T>C (NM_001331012.2).
Identifiers: ClinVar variation 2652631 (VCV002652631.24), dbSNP rs748624255, ClinGen allele CA10011488.
Genomic context (GRCh38, chr21:33,772,043, plus strand): 5'-TACATTGGTGAGTTTTCCTTTGAAAAGAGTCCGTTGAAAATCTTGAGTTTTCATAGTTGC[T>C]GTGTTCCTTGTCTGAAGTAACGTTTGAAGATAAGAAGCGGGAGAACTTTGAACGTGGCAA-3'

ClinVar aggregate classification (germline): Likely benign (1 of 4 stars; one submission).

Allele frequency attached by ClinVar (database versions not stated): gnomAD 0.00001; gnomAD exomes 0.00001; TOPMed 0.00001; ExAC 0.00003.
gnomAD v4.1: 20 of 1,610,894 alleles (0.0012%); highest among the groups gnomAD compares: Non-Finnish European, 0.0017%; no homozygotes.

Submission:

CeGaT Center for Human Genetics Tuebingen
Classification: Likely benign. Last evaluated: 2023-04-01. Review status: criteria provided, single submitter. Criteria: CeGaT Center For Human Genetics Tuebingen Variant Classification Criteria Version 2. Collection method: clinical testing. Allele origin: germline. Affected: yes. Observed: 1 variant allele.
Comment: ITSN1: BP4, BP7